The following is an entry in ClinVar:

NM_003107.3(SOX4):c.646G>T (p.Ala216Ser)

Gene: SOX4 (SRY-box transcription factor 4; plus strand). Cytogenetic location: 6p22.3.
Variant type: single nucleotide variant.
Coding change: c.646G>T on transcript NM_003107.3 (MANE Select); coding-DNA position 646, G replaced by T.
Protein change: p.Ala216Ser; replaces alanine 216 with serine.
Molecular consequence: missense variant.
Genome position (GRCh38, 1-based): chr6:21,595,180, G>T. VCF-style: chr6-21595180-G-T. GRCh37 (hg19) VCF-style: chr6-21595411-G-T.
Other names: short protein forms A216S.
Identifiers: ClinVar variation 4076197 (VCV004076197.1).

ClinVar aggregate classification (germline): Uncertain significance (1 of 4 stars; one submission).

Conditions:
Coffin-Siris syndrome 10. Also called: INTELLECTUAL DEVELOPMENTAL DISORDER WITH SPEECH DELAY AND DYSMORPHIC FACIES. Identifiers: MedGen C4760583, MONDO:0032791, OMIM 618506.

Submission:

Laboratorio de Genetica e Diagnostico Molecular, Hospital Israelita Albert Einstein
Classification: Uncertain significance for Coffin-Siris syndrome 10. Last evaluated: 2024-01-05. Review status: criteria provided, single submitter. Criteria: ACMG Guidelines, 2015. Collection method: clinical testing. Allele origin: germline. Affected: yes.
Comment: ACMG classification criteria: PM2 moderate, BP4 supporting